The following is an entry in ClinVar:

ClinVar aggregate classification (germline): Uncertain significance (1 of 4 stars; one submission).

Conditions:
Fanconi anemia (FA). Also called: Fanconi's anemia. Identifiers: Orphanet 84, MedGen C0015625, MeSH D005199, MONDO:0019391.

Allele frequency attached by ClinVar (database versions not stated): gnomAD exomes 0.00001; TOPMed 0.00001.
gnomAD v4.1: 3 of 1,614,154 alleles (0.00019%); highest among the groups gnomAD compares: Non-Finnish European, 0.00025%; no homozygotes.

Submission:

Labcorp Genetics (formerly Invitae), Labcorp
Classification: Uncertain significance for Fanconi anemia. Last evaluated: 2025-07-30. Review status: criteria provided, single submitter. Criteria: Invitae Variant Classification Sherloc (09022015). Collection method: clinical testing. Allele origin: germline.
Comment: This sequence change replaces aspartic acid, which is acidic and polar, with glycine, which is neutral and non-polar, at codon 783 of the FANCI protein (p.Asp783Gly). This variant is not present in population databases (gnomAD no frequency). This variant has not been reported in the literature in individuals affected with FANCI-related conditions. ClinVar contains an entry for this variant (Variation ID: 526429). Invitae Evidence Modeling of protein sequence and biophysical properties (such as structural, functional, and spatial information, amino acid conservation, physicochemical variation, residue mobility, and thermodynamic stability) has been performed for this missense variant. However, the output from this modeling did not meet the statistical confidence thresholds required to predict the impact of this variant on FANCI protein function. In summary, the available evidence is currently insufficient to determine the role of this variant in disease. Therefore, it has been classified as a Variant of Uncertain Significance.

NM_001113378.2(FANCI):c.2348A>G (p.Asp783Gly)

Gene: FANCI (FA complementation group I; plus strand). Cytogenetic location: 15q26.1.
Variant type: single nucleotide variant.
Coding change: c.2348A>G on transcript NM_001113378.2 (MANE Select); coding-DNA position 2348, A replaced by G.
Protein change: p.Asp783Gly; replaces aspartic acid 783 with glycine.
Molecular consequence: missense variant.
Genome position (GRCh38, 1-based): chr15:89,293,889, A>G. VCF-style: chr15-89293889-A-G. GRCh37 (hg19) VCF-style: chr15-89837120-A-G.
Other names: c.2069A>G, p.Asp690Gly (NM_001376910.1); c.2348A>G, p.Asp783Gly (NM_001376911.1, NM_018193.3); short protein forms D783G, D690G.
Identifiers: ClinVar variation 526429 (VCV000526429.7), dbSNP rs1363536852, ClinGen allele CA393750169.